The following is an entry in ClinVar:

ClinVar aggregate classification (germline): Uncertain significance (1 of 4 stars; one submission).

Conditions:
Osteogenesis imperfecta type 7 (OI7). Also called: OSTEOGENESIS IMPERFECTA, TYPE IIB; OI type 7; OI type VII; Osteogenesis imperfecta type 2B; OI type 2B; Osteogenesis imperfecta, perinatal lethal autosomal recessive. Identifiers: MedGen C1853162, MONDO:0012536, OMIM 610682.

Allele frequency attached by ClinVar (database versions not stated): gnomAD exomes 0.00001; ExAC 0.00002.

Submission:

Labcorp Genetics (formerly Invitae), Labcorp
Classification: Uncertain significance for Osteogenesis imperfecta type 7. Last evaluated: 2022-02-27. Review status: criteria provided, single submitter. Criteria: Invitae Variant Classification Sherloc (09022015). Collection method: clinical testing. Allele origin: germline.
Comment: This sequence change replaces lysine, which is basic and polar, with glutamine, which is neutral and polar, at codon 157 of the CRTAP protein (p.Lys157Gln). This variant is present in population databases (rs137853942, gnomAD 0.001%). This variant has not been reported in the literature in individuals affected with CRTAP-related conditions. Algorithms developed to predict the effect of missense changes on protein structure and function (SIFT, PolyPhen-2, Align-GVGD) all suggest that this variant is likely to be tolerated. Algorithms developed to predict the effect of sequence changes on RNA splicing suggest that this variant may create or strengthen a splice site. In summary, the available evidence is currently insufficient to determine the role of this variant in disease. Therefore, it has been classified as a Variant of Uncertain Significance.

NM_006371.5(CRTAP):c.469A>C (p.Lys157Gln)

Gene: CRTAP (cartilage associated protein; plus strand). Cytogenetic location: 3p22.3.
Variant type: single nucleotide variant.
Coding change: c.469A>C on transcript NM_006371.5 (MANE Select); coding-DNA position 469, A replaced by C.
Protein change: p.Lys157Gln; replaces lysine 157 with glutamine.
Molecular consequence: missense variant.
Genome position (GRCh38, 1-based): chr3:33,114,546, A>C. VCF-style: chr3-33114546-A-C. GRCh37 (hg19) VCF-style: chr3-33156038-A-C.
Other names: c.469A>C, p.Lys157Gln (NM_001393363.1, NM_001393364.1, NM_001393365.1); short protein forms K157Q.
Identifiers: ClinVar variation 1379687 (VCV001379687.3), dbSNP rs137853942, ClinGen allele CA2300281.